The following is an entry in ClinVar:

ClinVar aggregate classification (germline): Likely benign. Review status: criteria provided, multiple submitters, no conflicts (2 of 4 stars). 2 submissions from 2 submitters: Likely benign (2). Last evaluated 2025-05-13.

Conditions:
Bethlem myopathy 1A. Also called: Bethlem Muscular Dystrophy; MYOPATHY, BENIGN CONGENITAL, WITH CONTRACTURES; Bethlem myopathy 1. Identifiers: Orphanet 610, MedGen CN029274, MONDO:0024530, OMIM 158810.

Allele frequency attached by ClinVar (database versions not stated): ExAC 0.00002; gnomAD exomes 0.00002; gnomAD 0.00003; TOPMed 0.00003.
gnomAD v4.1: 42 of 1,613,660 alleles (0.0026%); highest among the groups gnomAD compares: East Asian, 0.025%; no homozygotes.

Submissions (2):

Labcorp Genetics (formerly Invitae), Labcorp
Classification: Likely benign for Bethlem myopathy 1A. Last evaluated: 2025-05-13. Review status: criteria provided, single submitter. Criteria: Invitae Variant Classification Sherloc (09022015). Collection method: clinical testing. Allele origin: germline.

CeGaT Center for Human Genetics Tuebingen
Classification: Likely benign. Last evaluated: 2022-04-01. Review status: criteria provided, single submitter. Criteria: CeGaT Center For Human Genetics Tuebingen Variant Classification Criteria Version 2. Collection method: clinical testing. Allele origin: germline. Affected: yes. Observed: 1 variant allele.
Comment: COL6A2: BP4, BP7

NM_001849.4(COL6A2):c.720C>T (p.His240=)

Gene: COL6A2 (collagen type VI alpha 2 chain; plus strand). Cytogenetic location: 21q22.3.
Variant type: single nucleotide variant.
Coding change: c.720C>T on transcript NM_001849.4 (MANE Select); coding-DNA position 720, C replaced by T.
Protein change: p.His240=; no amino-acid change (histidine 240 retained).
Molecular consequence: synonymous variant.
Genome position (GRCh38, 1-based): chr21:46,112,809, C>T. VCF-style: chr21-46112809-C-T. GRCh37 (hg19) VCF-style: chr21-47532723-C-T.
Other names: c.720C>T, p.His240= (NM_058174.3, NM_058175.3).
Identifiers: ClinVar variation 742458 (VCV000742458.35), dbSNP rs763803023, ClinGen allele CA10071416.